The following is an entry in ClinVar:

ClinVar aggregate classification (germline): Likely benign (1 of 4 stars; one submission).

Submission:

CeGaT Center for Human Genetics Tuebingen
Classification: Likely benign. Last evaluated: 2026-08-01. Review status: criteria provided, single submitter. Criteria: CeGaT Center For Human Genetics Tuebingen Variant Classification Criteria Version 2. Collection method: clinical testing. Allele origin: germline. Affected: yes. Observed: 1 variant allele.
Comment: CREBBP: BP4

NM_004380.3(CREBBP):c.85+6dup

Gene: CREBBP (CREB binding lysine acetyltransferase; minus strand). Cytogenetic location: 16p13.3.
Variant type: Duplication.
Coding change: c.85+6dup on transcript NM_004380.3 (MANE Select); 6 bases into the intron after coding-DNA position 85, one base duplicated (G; older notation c.85+6dupG).
Molecular consequence: intron variant.
Genome position (GRCh38, 1-based): chr16:3,879,826, C duplicated on the plus strand (G on the coding strand, the reverse complement: CREBBP is on the minus strand); the first of 2 consecutive C bases (chr16:3,879,826-3,879,827); duplicating either gives the same sequence. VCF-style (leftmost placement, unchanged base first): chr16-3879825-T-TC. GRCh37 (hg19) VCF-style: chr16-3929826-T-TC.
Other names: c.85+6dup (NM_001079846.1).
Identifiers: ClinVar variation 5039936 (VCV005039936.1).